The following is an entry in ClinVar:

NM_001458.5(FLNC):c.3382G>A (p.Glu1128Lys)

Gene: FLNC (filamin C; plus strand). Cytogenetic location: 7q32.1.
Variant type: single nucleotide variant.
Coding change: c.3382G>A on transcript NM_001458.5 (MANE Select); coding-DNA position 3382, G replaced by A.
Protein change: p.Glu1128Lys; replaces glutamic acid 1128 with lysine.
Molecular consequence: missense variant.
Genome position (GRCh38, 1-based): chr7:128,844,847, G>A. VCF-style: chr7-128844847-G-A. GRCh37 (hg19) VCF-style: chr7-128484901-G-A.
Other names: c.3382G>A, p.Glu1128Lys (NM_001127487.2); short protein forms E1128K.
Identifiers: ClinVar variation 945198 (VCV000945198.12), dbSNP rs145724410, ClinGen allele CA4475028.

ClinVar aggregate classification (germline): Conflicting classifications of pathogenicity. Review status: criteria provided, conflicting classifications (1 of 4 stars). 4 submissions from 4 submitters: Uncertain significance (2); Likely benign (2). Last evaluated 2026-01-20.

Conditions:
Cardiovascular phenotype. Identifiers: MedGen CN230736.
Myofibrillar myopathy 5. Also called: Filaminopathy (type); FILAMINOPATHY, AUTOSOMAL DOMINANT. Identifiers: Orphanet 171445, MedGen C1836050, MONDO:0012289, OMIM 609524.
Hypertrophic cardiomyopathy 26. Also called: Cardiomyopathy, familial hypertrophic, 26. Identifiers: Orphanet 75249, MedGen C4310749, MONDO:0014883, OMIM 617047.
Distal myopathy with posterior leg and anterior hand involvement. Also called: WILLIAMS DISTAL MYOPATHY. Identifiers: Orphanet 63273, MedGen C3279722, MONDO:0013550, OMIM 614065.

Allele frequency attached by ClinVar (database versions not stated): gnomAD exomes 0.00006 and 0.00009; TOPMed 0.00006; ExAC 0.00007; gnomAD 0.00009; 1000 Genomes Project 30x 0.00016; 1000 Genomes Project 0.00020.
gnomAD v4.1: 150 of 1,614,104 alleles (0.0093%); highest among the groups gnomAD compares: Non-Finnish European, 0.012%; no homozygotes.

Submissions (4):

Labcorp Genetics (formerly Invitae), Labcorp
Classification: Likely benign for Distal myopathy with posterior leg and anterior hand involvement; Myofibrillar myopathy 5; Hypertrophic cardiomyopathy 26. Last evaluated: 2026-01-20. Review status: criteria provided, single submitter. Criteria: Invitae Variant Classification Sherloc (09022015). Collection method: clinical testing. Allele origin: germline.

Blueprint Genetics
Classification: Likely benign. Last evaluated: 2024-06-10. Review status: criteria provided, single submitter. Criteria: ACMG Guidelines, 2015. Collection method: clinical testing. Allele origin: germline.

Revvity Omics, Revvity
Classification: Uncertain significance. Last evaluated: 2024-04-24. Review status: criteria provided, single submitter. Criteria: ACMG Guidelines, 2015. Collection method: clinical testing. Allele origin: germline.

Ambry Genetics
Classification: Uncertain significance for Cardiovascular phenotype. Last evaluated: 2023-10-06. Review status: criteria provided, single submitter. Criteria: Ambry Variant Classification Scheme 2023. Collection method: clinical testing. Allele origin: germline.
Comment: The p.E1128K variant (also known as c.3382G>A), located in coding exon 21 of the FLNC gene, results from a G to A substitution at nucleotide position 3382. The glutamic acid at codon 1128 is replaced by lysine, an amino acid with similar properties. This amino acid position is highly conserved in available vertebrate species. In addition, this alteration is predicted to be deleterious by in silico analysis. Since supporting evidence is limited at this time, the clinical significance of this alteration remains unclear.